The following is an entry in ClinVar:

ClinVar aggregate classification (germline): Likely benign. Review status: criteria provided, multiple submitters, no conflicts (2 of 4 stars). 2 submissions from 2 submitters: Likely benign (2). Last evaluated 2024-09-25.

Allele frequency attached by ClinVar (database versions not stated): gnomAD 0.00002; ExAC 0.00003; gnomAD exomes 0.00003; TOPMed 0.00003; ESP Exome Variant Server 0.00008.
gnomAD v4.1: 46 of 1,613,624 alleles (0.0029%); highest among the groups gnomAD compares: Non-Finnish European, 0.0035%; no homozygotes.

Submissions (2):

Blueprint Genetics
Classification: Likely benign. Last evaluated: 2024-09-25. Review status: criteria provided, single submitter. Criteria: ACMG Guidelines, 2015. Collection method: clinical testing. Allele origin: germline.

CeGaT Center for Human Genetics Tuebingen
Classification: Likely benign. Last evaluated: 2022-10-01. Review status: criteria provided, single submitter. Criteria: CeGaT Center For Human Genetics Tuebingen Variant Classification Criteria Version 2. Collection method: clinical testing. Allele origin: germline. Affected: yes. Observed: 1 variant allele.
Comment: HYDIN: BP4, BP7

NM_001270974.2(HYDIN):c.14613C>T (p.Pro4871=)

Gene: HYDIN (HYDIN axonemal central pair apparatus protein; minus strand). Cytogenetic location: 16q22.2.
Variant type: single nucleotide variant.
Coding change: c.14613C>T on transcript NM_001270974.2 (MANE Select); coding-DNA position 14613, C replaced by T.
Protein change: p.Pro4871=; no amino-acid change (proline 4871 retained).
Molecular consequence: synonymous variant.
Genome position (GRCh38, 1-based): chr16:70,818,387, G>A on the plus strand (C>T on the coding strand, the complement: HYDIN is on the minus strand). VCF-style: chr16-70818387-G-A. GRCh37 (hg19) VCF-style: chr16-70852290-G-A.
Identifiers: ClinVar variation 2646691 (VCV002646691.25), dbSNP rs372834763, ClinGen allele CA8148423.